The following is an entry in ClinVar:

NM_005121.3(MED13):c.3232del (p.Ser1078fs)

Gene: MED13 (mediator complex subunit 13; minus strand). Cytogenetic location: 17q23.2.
Variant type: Deletion.
Coding change: c.3232del on transcript NM_005121.3 (MANE Select); coding-DNA position 3232, one base deleted (T; older notation c.3232delT).
Protein change: p.Ser1078fs; shifts the reading frame from serine 1078.
Molecular consequence: frameshift variant.
Genome position (GRCh38, 1-based): chr17:61,982,771, A deleted on the plus strand (T on the coding strand, the reverse complement: MED13 is on the minus strand); the first of 3 consecutive A bases (chr17:61,982,771-61,982,773); deleting any one gives the same sequence. VCF-style (leftmost placement, unchanged base first): chr17-61982770-GA-G. GRCh37 (hg19) VCF-style: chr17-60060131-GA-G.
Other names: short protein forms S1078fs.
Identifiers: ClinVar variation 4850712 (VCV004850712.1).

ClinVar aggregate classification (germline): Likely pathogenic (1 of 4 stars; one submission).

Conditions:
Intellectual developmental disorder 61. Also called: MENTAL RETARDATION, AUTOSOMAL DOMINANT 61; INTELLECTUAL DEVELOPMENTAL DISORDER, AUTOSOMAL DOMINANT 61. Identifiers: MedGen C5231400, MONDO:0032485, OMIM 618009.

Submission:

Variantyx, Inc.
Classification: Likely pathogenic for Intellectual developmental disorder 61. Last evaluated: 2025-07-06. Review status: criteria provided, single submitter. Criteria: Variantyx Assertion Criteria 2022. Collection method: clinical testing. Allele origin: germline. Inheritance: Autosomal dominant inheritance. Affected: yes.
Comment: This is a frameshift variant in the MED13 gene (OMIM: 603808). Pathogenic variants in this gene have been associated with autosomal dominant intellectual developmental disorder 61. This variant introduces a premature termination codon in exon 16 out of 30 and is expected to result in loss of function, which is a known disease mechanism for MED13 in this disorder (PMID: 29740699) (PVS1). This variant is absent from control populations (PM2)., and it has not been reported in individuals with MED13-related disorders in the databases available for review. Based on the current evidence, this variant is classified as likely pathogenic for autosomal dominant intellectual developmental disorder 61.

Literature cited by the submitters: PubMed 29740699.